The following is an entry in ClinVar:

ClinVar aggregate classification (germline): Uncertain significance. Review status: criteria provided, multiple submitters, no conflicts (2 of 4 stars). 3 submissions from 3 submitters: Uncertain significance (3). Last evaluated 2026-05-14.

Conditions:
Cardiovascular phenotype. Identifiers: MedGen CN230736.
Dilated cardiomyopathy 1W (CMD1W). Identifiers: Orphanet 154, MedGen C1969639, MONDO:0012667, OMIM 611407.

Allele frequency attached by ClinVar (database versions not stated): gnomAD exomes below 0.00001.
gnomAD v4.1: 5 of 1,614,098 alleles (0.00031%); highest among the groups gnomAD compares: Admixed American, 0.0017%; no homozygotes.

Submissions (3):

Ambry Genetics
Classification: Uncertain significance for Cardiovascular phenotype. Last evaluated: 2026-05-14. Review status: criteria provided, single submitter. Criteria: Ambry Variant Classification Scheme 2023. Collection method: clinical testing. Allele origin: germline.
Comment: The p.I223T variant (also known as c.668T>C), located in coding exon 6 of the VCL gene, results from a T to C substitution at nucleotide position 668. The isoleucine at codon 223 is replaced by threonine, an amino acid with similar properties. This amino acid position is conserved. In addition, this alteration is predicted to be tolerated by in silico analysis. Based on the available evidence, the clinical significance of this variant remains unclear.

GeneDx
Classification: Uncertain significance. Last evaluated: 2024-04-11. Review status: criteria provided, single submitter. Criteria: GeneDx Variant Classification Process June 2021. Collection method: clinical testing. Allele origin: germline. Affected: yes.
Comment: Not observed at significant frequency in large population cohorts (gnomAD); In silico analysis indicates that this missense variant does not alter protein structure/function; Has not been previously published as pathogenic or benign to our knowledge

Labcorp Genetics (formerly Invitae), Labcorp
Classification: Uncertain significance for Dilated cardiomyopathy 1W. Last evaluated: 2023-11-22. Review status: criteria provided, single submitter. Criteria: Invitae Variant Classification Sherloc (09022015). Collection method: clinical testing. Allele origin: germline.
Comment: This sequence change replaces isoleucine, which is neutral and non-polar, with threonine, which is neutral and polar, at codon 223 of the VCL protein (p.Ile223Thr). This variant is present in population databases (no rsID available, gnomAD 0.003%). This variant has not been reported in the literature in individuals affected with VCL-related conditions. ClinVar contains an entry for this variant (Variation ID: 2146002). An algorithm developed to predict the effect of missense changes on protein structure and function (PolyPhen-2) suggests that this variant¬†is likely to be tolerated. In summary, the available evidence is currently insufficient to determine the role of this variant in disease. Therefore, it has been classified as a Variant of Uncertain Significance.

NM_014000.3(VCL):c.668T>C (p.Ile223Thr)

Gene: VCL (vinculin; plus strand). Cytogenetic location: 10q22.2.
Variant type: single nucleotide variant.
Coding change: c.668T>C on transcript NM_014000.3 (MANE Select); coding-DNA position 668, T replaced by C.
Protein change: p.Ile223Thr; replaces isoleucine 223 with threonine.
Molecular consequence: missense variant.
Genome position (GRCh38, 1-based): chr10:74,074,788, T>C. VCF-style: chr10-74074788-T-C. GRCh37 (hg19) VCF-style: chr10-75834546-T-C.
Other names: c.668T>C, p.Ile223Thr (NM_003373.4); short protein forms I223T.
Identifiers: ClinVar variation 2146002 (VCV002146002.4), dbSNP rs936254414, ClinGen allele CA209694064.